The following is an entry in ClinVar:

ClinVar aggregate classification (germline): Pathogenic (0 of 4 stars; one submission).

Conditions:
Alkaptonuria (AKU). Also called: Alkaptonuric ochronosis; Homogentisic acidura; Alcaptonuria; HOMOGENTISIC ACID OXIDASE DEFICIENCY. Identifiers: Orphanet 56, MedGen C0002066, MONDO:0008753, OMIM 203500.

Submission:

Department Of Human Genetics, Institute Of Clinical And Translational Research, Biomedical Research Center, Slovak Academy Of Sciences
Classification: Pathogenic for Alkaptonuria. Review status: no assertion criteria provided. Collection method: research. Allele origin: germline. Inheritance: Autosomal recessive inheritance. Affected: yes. Observed: 2 variant alleles.
Comment: The variant has been submitted to the HGD gene mutation database (DB-ID: AKU_00263).

NM_000187.4(HGD):c.815A>G (p.Tyr272Cys)

Gene: HGD (homogentisate 1,2-dioxygenase; minus strand). Cytogenetic location: 3q13.33.
Variant type: single nucleotide variant.
Coding change: c.815A>G on transcript NM_000187.4 (MANE Select); coding-DNA position 815, A replaced by G.
Protein change: p.Tyr272Cys; replaces tyrosine 272 with cysteine.
Molecular consequence: missense variant.
Genome position (GRCh38, 1-based): chr3:120,641,653, T>C on the plus strand (A>G on the coding strand, the complement: HGD is on the minus strand). VCF-style: chr3-120641653-T-C. GRCh37 (hg19) VCF-style: chr3-120360500-T-C.
Other names: short protein forms Y272C.
Identifiers: ClinVar variation 2627720 (VCV002627720.1), dbSNP rs2472681502, ClinGen allele CA354073992.